The following is an entry in ClinVar:

ClinVar aggregate classification (germline): Uncertain significance. Review status: criteria provided, multiple submitters, no conflicts (2 of 4 stars). 2 submissions from 2 submitters: Uncertain significance (2). Last evaluated 2024-01-03.

Conditions:
Short-rib thoracic dysplasia 7 with or without polydactyly (SRTD7). Also called: Short rib polydactyly syndrome 5; SHORT-RIB THORACIC DYSPLASIA 7 WITH POLYDACTYLY. Identifiers: Orphanet 498497, Orphanet 93271, MedGen C3279792, MONDO:0013569, OMIM 614091.
Cranioectodermal dysplasia 2 (CED2). Identifiers: Orphanet 1515, MedGen C3150874, MONDO:0013323, OMIM 613610.

Allele frequency attached by ClinVar (database versions not stated): ExAC 0.00002; gnomAD 0.00002; gnomAD exomes 0.00002; TOPMed 0.00005.
gnomAD v4.1: 30 of 1,613,938 alleles (0.0019%); highest among the groups gnomAD compares: Admixed American, 0.02%; 1 homozygote.

Submissions (2):

GeneDx
Classification: Uncertain significance. Last evaluated: 2024-01-03. Review status: criteria provided, single submitter. Criteria: GeneDx Variant Classification Process June 2021. Collection method: clinical testing. Allele origin: germline. Affected: yes.
Comment: In silico analysis supports that this missense variant does not alter protein structure/function; Has not been previously published as pathogenic or benign to our knowledge

Labcorp Genetics (formerly Invitae), Labcorp
Classification: Uncertain significance for Cranioectodermal dysplasia 2; Short-rib thoracic dysplasia 7 with or without polydactyly. Last evaluated: 2022-07-01. Review status: criteria provided, single submitter. Criteria: Invitae Variant Classification Sherloc (09022015). Collection method: clinical testing. Allele origin: germline.
Comment: This sequence change replaces alanine, which is neutral and non-polar, with threonine, which is neutral and polar, at codon 435 of the WDR35 protein (p.Ala435Thr). This variant is present in population databases (rs764354825, gnomAD 0.02%). This variant has not been reported in the literature in individuals affected with WDR35-related conditions. Algorithms developed to predict the effect of missense changes on protein structure and function output the following: SIFT: "Tolerated"; PolyPhen-2: "Benign"; Align-GVGD: "Class C0". The threonine amino acid residue is found in multiple mammalian species, which suggests that this missense change does not adversely affect protein function. In summary, the available evidence is currently insufficient to determine the role of this variant in disease. Therefore, it has been classified as a Variant of Uncertain Significance.

NM_020779.4(WDR35):c.1270G>A (p.Ala424Thr)

Gene: WDR35 (WD repeat domain 35; minus strand). Cytogenetic location: 2p24.1.
Variant type: single nucleotide variant.
Coding change: c.1270G>A on transcript NM_020779.4 (MANE Select); coding-DNA position 1270, G replaced by A.
Protein change: p.Ala424Thr; replaces alanine 424 with threonine.
Molecular consequence: missense variant.
Genome position (GRCh38, 1-based): chr2:19,953,964, C>T on the plus strand (G>A on the coding strand, the complement: WDR35 is on the minus strand). VCF-style: chr2-19953964-C-T. GRCh37 (hg19) VCF-style: chr2-20153725-C-T.
Other names: c.1303G>A, p.Ala435Thr (NM_001006657.2); c.1303G>A (NM_001006657.1); short protein forms A435T, A424T.
Identifiers: ClinVar variation 2169554 (VCV002169554.2), dbSNP rs764354825, ClinGen allele CA1543270.